The following is an entry in ClinVar:

NM_015046.7(SETX):c.5503G>A (p.Glu1835Lys)

Gene: SETX (senataxin; minus strand). Cytogenetic location: 9q34.13.
Variant type: single nucleotide variant.
Coding change: c.5503G>A on transcript NM_015046.7 (MANE Select); coding-DNA position 5503, G replaced by A.
Protein change: p.Glu1835Lys; replaces glutamic acid 1835 with lysine.
Molecular consequence: missense variant.
Genome position (GRCh38, 1-based): chr9:132,300,675, C>T on the plus strand (G>A on the coding strand, the complement: SETX is on the minus strand). VCF-style: chr9-132300675-C-T. GRCh37 (hg19) VCF-style: chr9-135176062-C-T.
Other names: c.5503G>A, p.Glu1835Lys (NM_001351527.2, NM_001351528.2); short protein forms E1835K.
Identifiers: ClinVar variation 855513 (VCV000855513.16), dbSNP rs143133190, ClinGen allele CA5296969.

ClinVar aggregate classification (germline): Conflicting classifications of pathogenicity. Review status: criteria provided, conflicting classifications (1 of 4 stars). 6 submissions from 5 submitters: Uncertain significance (5); Benign (1). Last evaluated 2025-11-18.

Conditions:
Spinocerebellar ataxia, autosomal recessive, with axonal neuropathy 2 (SCAN2). Also called: ATAXIA-OCULOMOTOR APRAXIA 2; Ataxia with Oculomotor Apraxia Type 2; Ataxia with Oculomotor Apraxia; Ataxia-ocular apraxia-2. Identifiers: Orphanet 64753, MedGen C1853761, MONDO:0018996, OMIM 606002.
Amyotrophic lateral sclerosis type 4 (ALS4). Also called: AMYOTROPHIC LATERAL SCLEROSIS 4, JUVENILE; NEURONOPATHY, DISTAL HEREDITARY MOTOR, WITH PYRAMIDAL FEATURES. Identifiers: Orphanet 357043, MedGen C1865409, MONDO:0011223, OMIM 602433.
SETX-related disorder. Also called: SETX-related condition; SETX-related disorders. Identifiers: MedGen CN239403.
Inborn genetic diseases. Identifiers: MedGen C0950123, MeSH D030342.

Allele frequency attached by ClinVar (database versions not stated): gnomAD 0.00001; TOPMed 0.00001; gnomAD exomes 0.00002 and 0.00004; ExAC 0.00005; ESP Exome Variant Server 0.00008.
gnomAD v4.1: 33 of 1,613,584 alleles (0.002%); highest among the groups gnomAD compares: Non-Finnish European, 0.0025%; no homozygotes.

Submissions (6):

PreventionGenetics, part of Exact Sciences
Classification: Uncertain significance for SETX-related condition. Last evaluated: 2025-11-18. Review status: criteria provided, single submitter. Criteria: ACMG Guidelines, 2015. Collection method: clinical testing. Allele origin: germline.
Comment: The SETX c.5503G>A variant is predicted to result in the amino acid substitution p.Glu1835Lys. To our knowledge, this variant has not been reported in the literature. This variant is reported in 0.0099% of alleles in individuals of Ashkenazi Jewish descent in gnomAD. At this time, the clinical significance of this variant is uncertain due to the absence of conclusive functional and genetic evidence.

Labcorp Genetics (formerly Invitae), Labcorp
Classification: Benign for Amyotrophic lateral sclerosis type 4; Spinocerebellar ataxia, autosomal recessive, with axonal neuropathy 2. Last evaluated: 2025-09-10. Review status: criteria provided, single submitter. Criteria: Invitae Variant Classification Sherloc (09022015). Collection method: clinical testing. Allele origin: germline.

Genome-Nilou Lab
Classification: Uncertain significance for Spinocerebellar ataxia, autosomal recessive, with axonal neuropathy 2. Last evaluated: 2023-02-08. Review status: criteria provided, single submitter. Criteria: ACMG Guidelines, 2015. Collection method: clinical testing. Allele origin: germline.

Genome-Nilou Lab
Classification: Uncertain significance for Amyotrophic lateral sclerosis type 4. Last evaluated: 2023-02-08. Review status: criteria provided, single submitter. Criteria: ACMG Guidelines, 2015. Collection method: clinical testing. Allele origin: germline.

Ambry Genetics
Classification: Uncertain significance for Inborn genetic diseases. Last evaluated: 2022-09-22. Review status: criteria provided, single submitter. Criteria: Ambry Variant Classification Scheme 2023. Collection method: clinical testing. Allele origin: germline.
Comment: The p.E1835K variant (also known as c.5503G>A), located in coding exon 10 of the SETX gene, results from a G to A substitution at nucleotide position 5503. The glutamic acid at codon 1835 is replaced by lysine, an amino acid with similar properties. This amino acid position is conserved. In addition, this alteration is predicted to be tolerated by in silico analysis. Since supporting evidence is limited at this time, the clinical significance of this alteration remains unclear.

Athena Diagnostics
Classification: Uncertain significance. Last evaluated: 2021-08-25. Review status: criteria provided, single submitter. Criteria: Athena Diagnostics Criteria. Collection method: clinical testing. Allele origin: unknown.